The following is an entry in ClinVar:

ClinVar aggregate classification (germline): Likely pathogenic (1 of 4 stars; one submission).

Conditions:
Muscular dystrophy-dystroglycanopathy (congenital with brain and eye anomalies), type A2. Also called: MUSCULAR DYSTROPHY-DYSTROGLYCANOPATHY (CONGENITAL WITH BRAIN AND EYE ANOMALIES), TYPE A, 2; WALKER-WARBURG SYNDROME OR MUSCLE-EYE-BRAIN DISEASE, POMT2-RELATED. Identifiers: Orphanet 588, Orphanet 899, MedGen C3150411, MONDO:0013154, OMIM 613150.
Autosomal recessive limb-girdle muscular dystrophy type 2N. Also called: MUSCULAR DYSTROPHY-DYSTROGLYCANOPATHY, LIMB-GIRDLE, POMT2-RELATED; Muscular dystrophy-dystroglycanopathy (limb-girdle), type C, 2. Identifiers: Orphanet 206559, MedGen C3150418, MONDO:0013162, OMIM 613158.
Muscular dystrophy-dystroglycanopathy (congenital with impaired intellectual development), type B, 2. Also called: MUSCULAR DYSTROPHY, CONGENITAL, POMT2-RELATED; Muscular dystrophy-dystroglycanopathy (congenital with intellectual disability), type B2. Identifiers: MedGen C3150416, MONDO:0013160, OMIM 613156.

Allele frequency attached by ClinVar (database versions not stated): TOPMed below 0.00001; gnomAD 0.00001; gnomAD exomes below 0.00001 and 0.00001.
gnomAD v4.1: 15 of 1,613,810 alleles (0.00093%); highest among the groups gnomAD compares: Middle Eastern, 0.016%; no homozygotes.

Submission:

Labcorp Genetics (formerly Invitae), Labcorp
Classification: Likely pathogenic for Muscular dystrophy-dystroglycanopathy (congenital with impaired intellectual development), type B, 2; Muscular dystrophy-dystroglycanopathy (congenital with brain and eye anomalies), type A2; Autosomal recessive limb-girdle muscular dystrophy type 2N. Last evaluated: 2024-02-19. Review status: criteria provided, single submitter. Criteria: Invitae Variant Classification Sherloc (09022015). Collection method: clinical testing. Allele origin: germline.
Comment: This sequence change replaces glycine, which is neutral and non-polar, with arginine, which is basic and polar, at codon 726 of the POMT2 protein (p.Gly726Arg). The frequency data for this variant in the population databases is considered unreliable, as metrics indicate poor data quality at this position in the gnomAD database. This missense change has been observed in individuals with clinical features of POMT2-related conditions (PMID: 17559086, 27894351, 34413876). ClinVar contains an entry for this variant (Variation ID: 1397473). Advanced modeling of protein sequence and biophysical properties (such as structural, functional, and spatial information, amino acid conservation, physicochemical variation, residue mobility, and thermodynamic stability) performed at Invitae indicates that this missense variant is expected to disrupt POMT2 protein function with a positive predictive value of 80%. Algorithms developed to predict the effect of sequence changes on RNA splicing suggest that this variant may disrupt the consensus splice site. This variant disrupts the p.Gly726 amino acid residue in POMT2. Other variant(s) that disrupt this residue have been determined to be pathogenic (PMID: 16701995, 17878207, 22700954). This suggests that this residue is clinically significant, and that variants that disrupt this residue are likely to be disease-causing. In summary, the currently available evidence indicates that the variant is pathogenic, but additional data are needed to prove that conclusively. Therefore, this variant has been classified as Likely Pathogenic.

Literature cited by the submitters: PubMed 17559086; PubMed 27894351; PubMed 34413876; PubMed 16701995; PubMed 17878207; PubMed 22700954.

NM_013382.7(POMT2):c.2176G>A (p.Gly726Arg)

Gene: POMT2 (protein O-mannosyltransferase 2; minus strand). Cytogenetic location: 14q24.3.
Variant type: single nucleotide variant.
Coding change: c.2176G>A on transcript NM_013382.7 (MANE Select); coding-DNA position 2176, G replaced by A.
Protein change: p.Gly726Arg; replaces glycine 726 with arginine.
Molecular consequence: missense variant.
Genome position (GRCh38, 1-based): chr14:77,277,453, C>T on the plus strand (G>A on the coding strand, the complement: POMT2 is on the minus strand). VCF-style: chr14-77277453-C-T. GRCh37 (hg19) VCF-style: chr14-77743796-C-T.
Other names: short protein forms G726R.
Identifiers: ClinVar variation 1397473 (VCV001397473.5), dbSNP rs1471500386, ClinGen allele CA390512686.
Genomic context (GRCh38, chr14:77,277,453, plus strand): 5'-CCAGCCACCTTAGTCCTGCCATTGGACTTTGGGGGTCCTGGGCCAGGGGACCAACCATCC[C>T]GTAAGCCAGAGGGTGGAAGAGGTAGAAGCTGTGAGAGAGAACCAGTAGGAGGCAGTTGGC-3'
Protein context (NP_037514.2, residues 716-736): SFYLFHPLAY[Gly726Arg]MVGPLAQDPQ